The following is an entry in ClinVar:

NM_019096.5(GTPBP2):c.225G>A (p.Val75=)

Gene: GTPBP2 (GTP binding protein 2; minus strand). Cytogenetic location: 6p21.1.
Variant type: single nucleotide variant.
Coding change: c.225G>A on transcript NM_019096.5 (MANE Select); coding-DNA position 225, G replaced by A.
Protein change: p.Val75=; no amino-acid change (valine 75 retained).
Molecular consequence: synonymous variant. On other transcripts: 5 prime UTR variant (1).
Genome position (GRCh38, 1-based): chr6:43,626,399, C>T on the plus strand (G>A on the coding strand, the complement: GTPBP2 is on the minus strand). VCF-style: chr6-43626399-C-T. GRCh37 (hg19) VCF-style: chr6-43594136-C-T.
Other names: c.-40G>A (NM_001286216.2).
Identifiers: ClinVar variation 3068545 (VCV003068545.1), dbSNP rs2532606833, ClinGen allele CA450290438.

ClinVar aggregate classification (germline): Uncertain significance (1 of 4 stars; one submission).

Conditions:
Intellectual disability. Also called: Intellectual developmental disorder; Intellectual functioning disability; intellectual disabilities. Identifiers: MedGen C3714756, MeSH D008607, MONDO:0001071, HP:0001249.

Submission:

Molecular Genetics, Royal Melbourne Hospital
Classification: Uncertain significance for Intellectual disability. Last evaluated: 2024-03-01. Review status: criteria provided, single submitter. Criteria: ACMG Guidelines, 2015. Collection method: clinical testing. Allele origin: germline. Inheritance: Autosomal recessive inheritance. Affected: yes.
Comment: This sequence change is a synonymous (silent) variant in exon 3 of GTPBP2 that is predicted to impact splicing (SpliceAI). This variant is absent from the population database gnomAD v4.0. To our knowledge, this variant has not been previously reported in the relevant scientific literature or databases. Based on the classification scheme RMH Modified ACMG/AMP Guidelines v1.6.1, this variant is classified as a VARIANT OF UNCERTAIN SIGNIFICANCE. Following criteria are met: PM2_Supporting, PP3.